The following is an entry in ClinVar:

ClinVar aggregate classification (germline): Uncertain significance (1 of 4 stars; one submission).

Conditions:
Congenital myasthenic syndrome 8. Also called: MYASTHENIC SYNDROME, CONGENITAL, DUE TO AGRIN DEFICIENCY; Myasthenic syndrome, congenital, 8, with pre- and postsynaptic defects. Identifiers: Orphanet 590, MedGen C3808739, MONDO:0014052, OMIM 615120.

Allele frequency attached by ClinVar (database versions not stated): gnomAD 0.00001; TOPMed 0.00001; ExAC 0.00002; gnomAD exomes 0.00002.

Submission:

Labcorp Genetics (formerly Invitae), Labcorp
Classification: Uncertain significance for Congenital myasthenic syndrome 8. Last evaluated: 2022-07-19. Review status: criteria provided, single submitter. Criteria: Invitae Variant Classification Sherloc (09022015). Collection method: clinical testing. Allele origin: germline.
Comment: This variant is present in population databases (rs745663789, gnomAD 0.006%). In summary, the available evidence is currently insufficient to determine the role of this variant in disease. Therefore, it has been classified as a Variant of Uncertain Significance. Algorithms developed to predict the effect of missense changes on protein structure and function are either unavailable or do not agree on the potential impact of this missense change (SIFT: "Tolerated"; PolyPhen-2: "Possibly Damaging"; Align-GVGD: "Class C0"). ClinVar contains an entry for this variant (Variation ID: 565446). This variant has not been reported in the literature in individuals affected with AGRN-related conditions. This sequence change replaces arginine, which is basic and polar, with cysteine, which is neutral and slightly polar, at codon 536 of the AGRN protein (p.Arg536Cys).

NM_198576.4(AGRN):c.1606C>T (p.Arg536Cys)

Gene: AGRN (agrin; plus strand). Cytogenetic location: 1p36.33.
Variant type: single nucleotide variant.
Coding change: c.1606C>T on transcript NM_198576.4 (MANE Select); coding-DNA position 1606, C replaced by T.
Protein change: p.Arg536Cys; replaces arginine 536 with cysteine.
Molecular consequence: missense variant.
Genome position (GRCh38, 1-based): chr1:1,043,540, C>T. VCF-style: chr1-1043540-C-T. GRCh37 (hg19) VCF-style: chr1-978920-C-T.
Other names: c.1606C>T, p.Arg536Cys (NM_001305275.2); c.1291C>T, p.Arg431Cys (NM_001364727.2); short protein forms R536C, R431C.
Identifiers: ClinVar variation 565446 (VCV000565446.5), dbSNP rs745663789, ClinGen allele CA508269.